The following is an entry in ClinVar:

ClinVar aggregate classification (germline): Uncertain significance (1 of 4 stars; one submission).

Conditions:
Familial adenomatous polyposis 1 (FAP1). Also called: FAMILIAL ADENOMATOUS POLYPOSIS 1, ATTENUATED; POLYPOSIS, ADENOMATOUS INTESTINAL. Identifiers: MedGen C2713442, MONDO:0021056, OMIM 175100. Disease mechanism: loss of function.

Submission:

Labcorp Genetics (formerly Invitae), Labcorp
Classification: Uncertain significance for Familial adenomatous polyposis 1. Last evaluated: 2024-10-21. Review status: criteria provided, single submitter. Criteria: Invitae Variant Classification Sherloc (09022015). Collection method: clinical testing. Allele origin: germline.
Comment: This sequence change replaces alanine, which is neutral and non-polar, with valine, which is neutral and non-polar, at codon 2008 of the APC protein (p.Ala2008Val). This variant is not present in population databases (gnomAD no frequency). This variant has not been reported in the literature in individuals affected with APC-related conditions. Invitae Evidence Modeling of protein sequence and biophysical properties (such as structural, functional, and spatial information, amino acid conservation, physicochemical variation, residue mobility, and thermodynamic stability) indicates that this missense variant is not expected to disrupt APC protein function with a negative predictive value of 95%. In summary, the available evidence is currently insufficient to determine the role of this variant in disease. Therefore, it has been classified as a Variant of Uncertain Significance.

NM_000038.6(APC):c.6023C>T (p.Ala2008Val)

Gene: APC (APC regulator of Wnt signaling pathway; plus strand). Cytogenetic location: 5q22.2.
Variant type: single nucleotide variant.
Coding change: c.6023C>T on transcript NM_000038.6 (MANE Select); coding-DNA position 6023, C replaced by T.
Protein change: p.Ala2008Val; replaces alanine 2008 with valine.
Molecular consequence: missense variant. On other transcripts: non-coding transcript variant (2).
Genome position (GRCh38, 1-based): chr5:112,841,617, C>T. VCF-style: chr5-112841617-C-T. GRCh37 (hg19) VCF-style: chr5-112177314-C-T.
Other names: c.6023C>T, p.Ala2008Val (NM_001127510.3, NM_001354895.2, NM_001407450.1); c.5969C>T, p.Ala1990Val (NM_001127511.3); c.6077C>T, p.Ala2026Val (NM_001354896.2, NM_001407447.1, NM_001407448.1 and 1 more transcripts); c.6053C>T, p.Ala2018Val (NM_001354897.2); c.5948C>T, p.Ala1983Val (NM_001354898.2); c.5939C>T, p.Ala1980Val (NM_001354899.2); c.5900C>T, p.Ala1967Val (NM_001354900.2); c.5846C>T, p.Ala1949Val (NM_001354901.2, NM_001407453.1); and 11 more; short protein forms A1917V, A1990V, A2008V, A1725V, A1848V, A1879V, A1882V, A1907V.
Identifiers: ClinVar variation 3635493 (VCV003635493.2).